The following is an entry in ClinVar:

ClinVar aggregate classification (germline): Uncertain significance (1 of 4 stars; one submission).

Conditions:
Acyl-CoA oxidase deficiency. Also called: STRAIGHT-CHAIN ACYL-CoA OXIDASE DEFICIENCY; Pseudoneonatal adrenoleukodystrophy; Peroxisomal acyl-CoA oxidase deficiency. Identifiers: Orphanet 2971, MedGen C1849678, MONDO:0009919, OMIM 264470. Disease mechanism: loss of function.

Submission:

Labcorp Genetics (formerly Invitae), Labcorp
Classification: Uncertain significance for Acyl-CoA oxidase deficiency. Last evaluated: 2024-01-09. Review status: criteria provided, single submitter. Criteria: Invitae Variant Classification Sherloc (09022015). Collection method: clinical testing. Allele origin: unknown.
Comment: This variant results in a copy number gain of the genomic region encompassing exon(s) 1-3 of the ACOX1 gene. This region includes the initiator codon of the gene. This copy number gain extends beyond the assayed region for this gene and therefore may encompass additional genes. As the precise location of this event is unknown, it may be in tandem or it may be located elsewhere in the genome. This variant has not been reported in the literature in individuals affected with ACOX1-related conditions. Experimental studies and prediction algorithms are not available or were not evaluated, and the functional significance of this variant is currently unknown. In summary, the available evidence is currently insufficient to determine the role of this variant in disease. Therefore, it has been classified as a Variant of Uncertain Significance.

NC_000017.10:g.(?_73956276)_(73975154_?)dup

Gene: ACOX1 (acyl-CoA oxidase 1; minus strand). Cytogenetic location: 17q25.1.
Variant type: Duplication.
Identifiers: ClinVar variation 3243043 (VCV003243043.1).